The following is an entry in ClinVar:

NM_001378615.1(CC2D2A):c.3299G>A (p.Arg1100His)

Genes: CC2D2A (coiled-coil and C2 domain containing 2A; plus strand), FBXL5 (F-box and leucine rich repeat protein 5; minus strand). Cytogenetic location: 4p15.32.
Variant type: single nucleotide variant.
Coding change: c.3299G>A on transcript NM_001378615.1 (MANE Select); coding-DNA position 3299, G replaced by A.
Protein change: p.Arg1100His; replaces arginine 1100 with histidine.
Molecular consequence: missense variant.
Genome position (GRCh38, 1-based): chr4:15,567,687, G>A. VCF-style: chr4-15567687-G-A. GRCh37 (hg19) VCF-style: chr4-15569310-G-A.
Other names: c.3299G>A, p.Arg1100His (NM_001080522.2); c.3152G>A, p.Arg1051His (NM_001378617.1); short protein forms R1051H, R1100H.
Identifiers: ClinVar variation 3763495 (VCV003763495.1).

ClinVar aggregate classification (germline): Uncertain significance (1 of 4 stars; one submission).

Conditions:
Joubert syndrome. Also called: JOUBERT-BOLTSHAUSER SYNDROME; Familial aplasia of the vermis. Identifiers: Orphanet 475, MedGen C5979921, MONDO:0018772.
Meckel-Gruber syndrome. Also called: DYSENCEPHALIA SPLANCHNOCYSTICA; GRUBER SYNDROME; Dysencephalia splachnocystica. Identifiers: Orphanet 564, MedGen C0265215, MONDO:0018921.

gnomAD v4.1: 9 of 1,600,832 alleles (0.00056%); highest among the groups gnomAD compares: South Asian, 0.0023%; no homozygotes.

Submission:

Labcorp Genetics (formerly Invitae), Labcorp
Classification: Uncertain significance for Joubert syndrome; Meckel-Gruber syndrome. Last evaluated: 2024-02-28. Review status: criteria provided, single submitter. Criteria: Invitae Variant Classification Sherloc (09022015). Collection method: clinical testing. Allele origin: germline.
Comment: This sequence change replaces arginine, which is basic and polar, with histidine, which is basic and polar, at codon 1100 of the CC2D2A protein (p.Arg1100His). This variant is present in population databases (rs376773368, gnomAD 0.004%). This variant has not been reported in the literature in individuals affected with CC2D2A-related conditions. Advanced modeling of protein sequence and biophysical properties (such as structural, functional, and spatial information, amino acid conservation, physicochemical variation, residue mobility, and thermodynamic stability) has been performed at Invitae for this missense variant, however the output from this modeling did not meet the statistical confidence thresholds required to predict the impact of this variant on CC2D2A protein function. In summary, the available evidence is currently insufficient to determine the role of this variant in disease. Therefore, it has been classified as a Variant of Uncertain Significance.